The following is an entry in ClinVar:

ClinVar aggregate classification (germline): Conflicting classifications of pathogenicity. Review status: criteria provided, conflicting classifications (1 of 4 stars). 3 submissions from 3 submitters: Uncertain significance (2); Likely benign (1). Last evaluated 2024-12-20.

Conditions:
Inborn genetic diseases. Identifiers: MedGen C0950123, MeSH D030342.
Familial focal epilepsy with variable foci (FPEVF). Identifiers: Orphanet 98820, MedGen C1858477, MONDO:0020310.

Allele frequency attached by ClinVar (database versions not stated): TOPMed 0.00002; gnomAD exomes 0.00004; ExAC 0.00005; gnomAD 0.00006; 1000 Genomes Project 30x 0.00016; 1000 Genomes Project 0.00020.
gnomAD v4.1: 35 of 1,614,232 alleles (0.0022%); highest among the groups gnomAD compares: East Asian, 0.029%; no homozygotes.

Submissions (3):

Labcorp Genetics (formerly Invitae), Labcorp
Classification: Uncertain significance for Familial focal epilepsy with variable foci. Last evaluated: 2024-12-20. Review status: criteria provided, single submitter. Criteria: Invitae Variant Classification Sherloc (09022015). Collection method: clinical testing. Allele origin: germline.
Comment: This sequence change replaces threonine, which is neutral and polar, with alanine, which is neutral and non-polar, at codon 1029 of the DEPDC5 protein (p.Thr1029Ala). This variant is present in population databases (rs537257402, gnomAD 0.03%). This variant has not been reported in the literature in individuals affected with DEPDC5-related conditions. ClinVar contains an entry for this variant (Variation ID: 589805). An algorithm developed to predict the effect of missense changes on protein structure and function outputs the following: PolyPhen-2: "Not Available". The alanine amino acid residue is found in multiple mammalian species, which suggests that this missense change does not adversely affect protein function. In summary, the available evidence is currently insufficient to determine the role of this variant in disease. Therefore, it has been classified as a Variant of Uncertain Significance.

Athena Diagnostics
Classification: Uncertain significance. Last evaluated: 2020-09-29. Review status: criteria provided, single submitter. Criteria: Athena Diagnostics criteria. Collection method: clinical testing. Allele origin: unknown.

Ambry Genetics
Classification: Likely benign for Inborn genetic diseases. Last evaluated: 2016-03-04. Review status: criteria provided, single submitter. Criteria: Ambry Variant Classification Scheme 2023. Collection method: clinical testing. Allele origin: germline.

NM_001242896.3(DEPDC5):c.3085A>G (p.Thr1029Ala)

Gene: DEPDC5 (DEP domain containing 5, GATOR1 subcomplex subunit; plus strand). Cytogenetic location: 22q12.3.
Variant type: single nucleotide variant.
Coding change: c.3085A>G on transcript NM_001242896.3 (MANE Select); coding-DNA position 3085, A replaced by G.
Protein change: p.Thr1029Ala; replaces threonine 1029 with alanine.
Molecular consequence: missense variant. On other transcripts: non-coding transcript variant (5).
Genome position (GRCh38, 1-based): chr22:31,846,897, A>G. VCF-style: chr22-31846897-A-G. GRCh37 (hg19) VCF-style: chr22-32242883-A-G.
Other names: c.3058A>G, p.Thr1020Ala (NM_001136029.4, NM_001369903.1, NM_014662.6); c.2851A>G, p.Thr951Ala (NM_001242897.2, NM_001363854.2, NM_001364319.2); c.3085A>G, p.Thr1029Ala (NM_001363852.2, NM_001364318.2, NM_001364320.2); c.3001A>G, p.Thr1001Ala (NM_001369901.1, NM_001369902.1); short protein forms T1029A, T951A, T1001A, T1020A.
Identifiers: ClinVar variation 589805 (VCV000589805.15), dbSNP rs537257402, ClinGen allele CA10196874.